The following is an entry in ClinVar:

ClinVar aggregate classification (germline): Uncertain significance (1 of 4 stars; one submission).

Conditions:
CNTN6-related disorder. Also called: CNTN6-related condition.

Submission:

3billion
Classification: Uncertain significance for CNTN6-related disorder. Last evaluated: 2025-09-08. Review status: criteria provided, single submitter. Criteria: ACMG Guidelines, 2015. Collection method: clinical testing. Allele origin: germline. Affected: yes.
Comment: The variant is not observed in the gnomAD v4.1.0 dataset. Predicted Consequence/Location: Intron variant In silico tools predict the variant to alter splicing and produce an abnormal transcript [SpliceAI: 0.81 (>=0.2, moderate evidence for spliceogenicity)]. Therefore, this variant is classified as VUS according to the recommendation of ACMG/AMP guideline.

NM_001289080.2(CNTN6):c.946+5G>A

Gene: CNTN6 (contactin 6; plus strand). Cytogenetic location: 3p26.3.
Variant type: single nucleotide variant.
Coding change: c.946+5G>A on transcript NM_001289080.2 (MANE Select); 5 bases into the intron after coding-DNA position 946, G replaced by A.
Molecular consequence: intron variant.
Genome position (GRCh38, 1-based): chr3:1,321,839, G>A. VCF-style: chr3-1321839-G-A. GRCh37 (hg19) VCF-style: chr3-1363523-G-A.
Other names: c.946+5G>A (NM_001349351.2, NM_001349354.2, NM_014461.4 and 4 more transcripts); c.-177+5G>A (NM_001349361.2, NM_001349362.2, NM_001349360.2); c.659-7946G>A (NM_001349358.2); c.838+5G>A (NM_001349356.2); c.634+5G>A (NM_001349357.2); c.730+5G>A (NM_001289081.2); c.-176-3976G>A (NM_001349359.2).
Identifiers: ClinVar variation 4854520 (VCV004854520.1).
Genomic context (GRCh38, chr3:1,321,839, plus strand): 5'-CATTGCAAGCAACCTTCGAGGAAGAAACCTTGCAAAGGGTCAACTCATTTTTTATGGTGA[G>A]CTAATTGGATTTCAAATATATATAAAATATTTGGTAATGCCCTTCATAATAAATTGTGGA-3'